The following is an entry in ClinVar:

NM_153682.3(PIGP):c.197T>C (p.Ile66Thr)

Gene: PIGP (phosphatidylinositol glycan anchor biosynthesis class P; minus strand). Cytogenetic location: 21q22.13.
Variant type: single nucleotide variant.
Coding change: c.197T>C on transcript NM_153682.3 (MANE Select); coding-DNA position 197, T replaced by C.
Protein change: p.Ile66Thr; replaces isoleucine 66 with threonine.
Molecular consequence: missense variant.
Genome position (GRCh38, 1-based): chr21:37,067,339, A>G on the plus strand (T>C on the coding strand, the complement: PIGP is on the minus strand). VCF-style: chr21-37067339-A-G. GRCh37 (hg19) VCF-style: chr21-38439639-A-G.
Other names: c.197T>C, p.Ile66Thr (NM_001320480.2); c.119T>C, p.Ile40Thr (NM_016430.4); c.269T>C, p.Ile90Thr (NM_153681.2); short protein forms I66T, I40T, I90T.
Identifiers: ClinVar variation 1431561 (VCV001431561.6), dbSNP rs2069923456, ClinGen allele CA409919525.
Genomic context (GRCh38, chr21:37,067,339, plus strand): 5'-GAGTCGAGTGGAGAGGTACTCATCATGTTAATCCCAAACAAGAGCACGTAGCCAATTACT[A>G]TAGCAATAAGGAGGTAGACAGGTAATGCAACTGCCCAATATCTGCCAAAGAGAATATTAA-3'
Protein context (NP_710149.1, residues 56-76): VALPVYLLIA[Ile66Thr]VIGYVLLFGI

ClinVar aggregate classification (germline): Uncertain significance (1 of 4 stars; one submission).

Allele frequency attached by ClinVar (database versions not stated): gnomAD exomes below 0.00001; gnomAD 0.00001.
gnomAD v4.1: 2 of 1,611,212 alleles (0.00012%); highest among the groups gnomAD compares: South Asian, 0.0022%; no homozygotes.

Submission:

Labcorp Genetics (formerly Invitae), Labcorp
Classification: Uncertain significance. Last evaluated: 2021-08-27. Review status: criteria provided, single submitter. Criteria: Invitae Variant Classification Sherloc (09022015). Collection method: clinical testing. Allele origin: germline.
Comment: This variant has not been reported in the literature in individuals affected with PIGP-related conditions. In summary, the available evidence is currently insufficient to determine the role of this variant in disease. Therefore, it has been classified as a Variant of Uncertain Significance. Algorithms developed to predict the effect of missense changes on protein structure and function are either unavailable or do not agree on the potential impact of this missense change (SIFT: "Deleterious"; PolyPhen-2: "Benign"; Align-GVGD: "Class C0"). This variant is not present in population databases (ExAC no frequency). This sequence change replaces isoleucine with threonine at codon 90 of the PIGP protein (p.Ile90Thr). The isoleucine residue is weakly conserved and there is a moderate physicochemical difference between isoleucine and threonine.